The following is an entry in ClinVar:

ClinVar aggregate classification (germline): Benign/Likely benign (0 of 4 stars; one submission).

Submission:

GeneDx
Classification: Benign/Likely benign. Last evaluated: 2011-04-30. Review status: no assertion criteria provided. Collection method: clinical testing. Allele origin: not provided. Affected: yes. Observed: 4 variant alleles. Clinical features observed: Developmental delay AND/OR other significant developmental or morphological phenotypes.
Comment: Likely benign (2), Benign (2)

GRCh38/hg38 8p22(chr8:16094502-16164176)x1

Gene: MSR1 (macrophage scavenger receptor 1; minus strand). Cytogenetic location: 8p22.
Variant type: copy number loss.
Change: copy number 1 (one copy instead of two) of chr8:16,094,502-16,164,176 (69.7 kb, GRCh38 coordinates, 1-based), cytogenetic band 8p22.
Identifiers: ClinVar variation 144950 (VCV000144950.1).